The following is an entry in ClinVar:

NM_176824.3(BBS7):c.277T>G (p.Phe93Val)

Gene: BBS7 (Bardet-Biedl syndrome 7; minus strand). Cytogenetic location: 4q27.
Variant type: single nucleotide variant.
Coding change: c.277T>G on transcript NM_176824.3 (MANE Select); coding-DNA position 277, T replaced by G.
Protein change: p.Phe93Val; replaces phenylalanine 93 with valine.
Molecular consequence: missense variant.
Genome position (GRCh38, 1-based): chr4:121,861,568, A>C on the plus strand (T>G on the coding strand, the complement: BBS7 is on the minus strand). VCF-style: chr4-121861568-A-C. GRCh37 (hg19) VCF-style: chr4-122782723-A-C.
Other names: c.277T>G, p.Phe93Val (NM_018190.4); short protein forms F93V.
Identifiers: ClinVar variation 1309653 (VCV001309653.10), dbSNP rs750813339, ClinGen allele CA3064548.

ClinVar aggregate classification (germline): Uncertain significance. Review status: criteria provided, multiple submitters, no conflicts (2 of 4 stars). 5 submissions from 5 submitters: Uncertain significance (5). Last evaluated 2026-04-06.

Conditions:
Bardet-Biedl syndrome (BBS). Identifiers: Orphanet 110, MedGen C0752166, MONDO:0015229.
Bardet-Biedl syndrome 7 (BBS7). Identifiers: Orphanet 110, MedGen C1859565, MONDO:0014435, OMIM 615984.

Allele frequency attached by ClinVar (database versions not stated): gnomAD 0.00001 and 0.00002; ExAC 0.00002; gnomAD exomes 0.00002 and 0.00003; TOPMed 0.00002.
gnomAD v4.1: 47 of 1,613,718 alleles (0.0029%); highest among the groups gnomAD compares: Middle Eastern, 0.016%; no homozygotes.

Submissions (5):

Women's Health and Genetics/Laboratory Corporation of America, LabCorp
Classification: Uncertain significance. Last evaluated: 2026-04-06. Review status: criteria provided, single submitter. Criteria: LabCorp Variant Classification Summary - May 2015. Collection method: clinical testing. Allele origin: germline.
Comment: Variant summary: BBS7 c.277T>G (p.Phe93Val) results in a non-conservative amino acid change in the encoded protein sequence. Algorithms developed to predict the effect of missense changes on protein structure and function all suggest that this variant is likely to be disruptive. The variant allele was found at a frequency of 1.6e-05 in 251324 control chromosomes (gnomAD). The available data on variant occurrences in the general population are insufficient to allow any conclusion about variant significance. c.277T>G has been reported in the literature in an individual affected with pulmonary arterial hypertension congenital heart disease (Zhu_2018). This report does not provide unequivocal conclusions about association of the variant with Bardet-Biedl Syndrome. To our knowledge, no experimental evidence demonstrating an impact on protein function has been reported. The following publication have been ascertained in the context of this evaluation (PMID: 30029678). ClinVar contains an entry for this variant (Variation ID: 1309653). Based on the evidence outlined above, the variant was classified as uncertain significance.

Fulgent Genetics
Classification: Uncertain significance for Bardet-Biedl syndrome 7. Last evaluated: 2024-05-11. Review status: criteria provided, single submitter. Criteria: ACMG Guidelines, 2015. Collection method: clinical testing. Allele origin: germline.

Blueprint Genetics
Classification: Uncertain significance. Last evaluated: 2022-10-20. Review status: criteria provided, single submitter. Criteria: ACMG Guidelines, 2015. Collection method: clinical testing. Allele origin: germline.

Labcorp Genetics (formerly Invitae), Labcorp
Classification: Uncertain significance for Bardet-Biedl syndrome. Last evaluated: 2022-02-02. Review status: criteria provided, single submitter. Criteria: Invitae Variant Classification Sherloc (09022015). Collection method: clinical testing. Allele origin: germline.
Comment: This sequence change replaces phenylalanine, which is neutral and non-polar, with valine, which is neutral and non-polar, at codon 93 of the BBS7 protein (p.Phe93Val). This variant is present in population databases (rs750813339, gnomAD 0.003%). This variant has not been reported in the literature in individuals affected with BBS7-related conditions. ClinVar contains an entry for this variant (Variation ID: 1309653). Algorithms developed to predict the effect of missense changes on protein structure and function (SIFT, PolyPhen-2, Align-GVGD) all suggest that this variant is likely to be tolerated. In summary, the available evidence is currently insufficient to determine the role of this variant in disease. Therefore, it has been classified as a Variant of Uncertain Significance.

GeneDx
Classification: Uncertain significance. Last evaluated: 2021-01-21. Review status: criteria provided, single submitter. Criteria: GeneDx Variant Classification Process June 2021. Collection method: clinical testing. Allele origin: germline. Affected: yes.
Comment: Reported as an inherited variant in a patient with atrial septal defect who also harbored a variant in the RAF1 gene (Zhu et al., 2018); In silico analysis supports that this missense variant has a deleterious effect on protein structure/function; This variant is associated with the following publications: (PMID: 30029678)

Literature cited by the submitters: PubMed 30029678 (cited by Women's Health and Genetics/Laboratory Corporation of America, LabCorp).